The following is an entry in ClinVar:

NM_000487.6(ARSA):c.997dup (p.Ala333fs)

Gene: ARSA (arylsulfatase A; minus strand). Cytogenetic location: 22q13.33.
Variant type: Duplication.
Coding change: c.997dup on transcript NM_000487.6 (MANE Select); coding-DNA position 997, one base duplicated (G; older notation c.997dupG).
Protein change: p.Ala333fs; shifts the reading frame from alanine 333.
Molecular consequence: frameshift variant.
Genome position (GRCh38, 1-based): chr22:50,626,046, C duplicated on the plus strand (G on the coding strand, the reverse complement: ARSA is on the minus strand); the first of 2 consecutive C bases (chr22:50,626,046-50,626,047); duplicating either gives the same sequence. VCF-style (leftmost placement, unchanged base first): chr22-50626045-G-GC. GRCh37 (hg19) VCF-style: chr22-51064473-G-GC.
Other names: c.997dup, p.Ala333fs (NM_001085425.3, NM_001085426.3, NM_001085427.3); c.739dup, p.Ala247fs (NM_001085428.3, NM_001362782.2); short protein forms A247fs, A333fs.
Identifiers: ClinVar variation 5012155 (VCV005012155.1).

ClinVar aggregate classification (germline): Pathogenic (1 of 4 stars; one submission).

Conditions:
Metachromatic leukodystrophy (MLD). Also called: ARSA DEFICIENCY; CEREBROSIDE SULFATASE DEFICIENCY; METACHROMATIC LEUKOENCEPHALOPATHY; SULFATIDE LIPIDOSIS; Cerebral sclerosis diffuse metachromatic form; Arylsulfatase A Deficiency. Identifiers: Orphanet 512, MedGen C0023522, MONDO:0018868, OMIM 250100.

Submission:

Myriad Genetics, Inc.
Classification: Pathogenic for Metachromatic leukodystrophy. Last evaluated: 2023-09-27. Review status: criteria provided, single submitter. Criteria: Myriad Autosomal Dominant, Autosomal Recessive and X-Linked Classification Criteria (2023). Collection method: clinical testing. Allele origin: unknown.
Comment: NM_000487.5(ARSA):c.997dupG(A333Gfs*27) is expected to be pathogenic in the context of metachromatic leukodystrophy. This variant is predicted to lead to an abnormal or absent protein product due to the creation of a premature termination codon in ARSA, a gene where loss-of-function variants are known to be pathogenic. Please note: this variant was assessed in the context of healthy population screening.